The following is an entry in ClinVar:

NM_001001557.4(GDF6):c.*1084C>A

Gene: GDF6 (growth differentiation factor 6; minus strand). Cytogenetic location: 8q22.1.
Variant type: single nucleotide variant.
Coding change: c.*1084C>A on transcript NM_001001557.4 (MANE Select); 1084 bases downstream of the stop codon, C replaced by A.
Molecular consequence: 3 prime UTR variant.
Genome position (GRCh38, 1-based): chr8:96,143,479, G>T on the plus strand (C>A on the coding strand, the complement: GDF6 is on the minus strand). VCF-style: chr8-96143479-G-T. GRCh37 (hg19) VCF-style: chr8-97155707-G-T.
Identifiers: ClinVar variation 364014 (VCV000364014.6), dbSNP rs77181285, ClinGen allele CA10628454.

ClinVar aggregate classification (germline): Benign. Review status: criteria provided, multiple submitters, no conflicts (2 of 4 stars). 2 submissions from 2 submitters: Benign (2). Last evaluated 2018-01-13.

Conditions:
Klippel-Feil syndrome 1, autosomal dominant (KFS1). Also called: CERVICAL VERTEBRAL FUSION, AUTOSOMAL DOMINANT. Identifiers: Orphanet 2345, MedGen C1861689, MONDO:0007306, OMIM 118100.

Allele frequency attached by ClinVar (database versions not stated): gnomAD exomes 0.00714; gnomAD 0.02009 and 0.02131; TOPMed 0.02184; 1000 Genomes Project 0.02616; 1000 Genomes Project 30x 0.02733.
gnomAD v4.1: 3,285 of 152,772 alleles (2.2%); highest among the groups gnomAD compares: Middle Eastern, 8.7%; 61 homozygotes.

Submissions (2):

Illumina Laboratory Services, Illumina
Classification: Benign for Klippel-Feil syndrome 1, autosomal dominant. Last evaluated: 2018-01-13. Review status: criteria provided, single submitter. Criteria: ICSL Variant Classification Criteria 13 December 2019. Collection method: clinical testing. Allele origin: germline.
Comment: This variant was observed in the ICSL laboratory as part of a predisposition screen in an ostensibly healthy population. It had not been previously curated by ICSL or reported in the Human Gene Mutation Database (HGMD: prior to June 1st, 2018), and was therefore a candidate for classification through an automated scoring system. Utilizing variant allele frequency, disease prevalence and penetrance estimates, and inheritance mode, an automated score was calculated to assess if this variant is too frequent to cause the disease. Based on the score and internal cut-off values, a variant classified as benign is not then subjected to further curation. The score for this variant resulted in a classification of benign for this disease.

Breakthrough Genomics
Classification: Benign. Review status: criteria provided, single submitter. Criteria: ACMG Guidelines, 2015. Collection method: not provided. Allele origin: germline. Inheritance: Autosomal recessive inheritance. Affected: yes.